The following is an entry in ClinVar:

NM_004006.3(DMD):c.6615-1189_6912+4965dup

Gene: DMD (dystrophin; minus strand). Cytogenetic location: Xp21.1.
Variant type: Duplication.
Coding change: c.6615-1189_6912+4965dup on transcript NM_004006.3 (MANE Select); 1189 bases into the intron before coding-DNA position 6615 through 4965 bases into the intron after coding-DNA position 6912, 8,786 bases duplicated.
Molecular consequence: splice acceptor variant, splice donor variant.
Genome position (GRCh38, 1-based): chrX:31,924,631-31,933,416, 8,786 bases duplicated. GRCh37 (hg19): chrX:31,942,750-31,951,535.
Other names: c.6591-1189_6888+4965dup (NM_000109.4); c.2592-1189_2889+4965dup (NM_004011.4); c.2583-1189_2880+4965dup (NM_004012.4); c.-766-1189_-469+4965dup (NM_004023.3, NM_004020.4, NM_004022.3 and 2 more transcripts); c.6603-1189_6900+4965dup (NM_004009.3); c.6246-1189_6543+4965dup (NM_004010.3).
Identifiers: ClinVar variation 4820246 (VCV004820246.1).

ClinVar aggregate classification (germline): Pathogenic (1 of 4 stars; one submission).

Conditions:
Duchenne muscular dystrophy (DMD). Also called: Duchenne Muscular Dystrophy (DMD); MUSCULAR DYSTROPHY, PSEUDOHYPERTROPHIC PROGRESSIVE, DUCHENNE TYPE. Identifiers: Orphanet 98896, MedGen C0013264, MONDO:0010679, OMIM 310200.

Submission:

Mendelics
Classification: Pathogenic for Duchenne muscular dystrophy. Last evaluated: 2026-03-28. Review status: criteria provided, single submitter. Criteria: ACMG Guidelines, 2015. Collection method: clinical testing. Allele origin: unknown.
Comment: Duplication of gene DMD.